The following is an entry in ClinVar:

NM_000059.4(BRCA2):c.7122T>G (p.Asn2374Lys)

Gene: BRCA2 (BRCA2 DNA repair associated; plus strand). Cytogenetic location: 13q13.1.
Variant type: single nucleotide variant.
Coding change: c.7122T>G on transcript NM_000059.4 (MANE Select); coding-DNA position 7122, T replaced by G.
Protein change: p.Asn2374Lys; replaces asparagine 2374 with lysine.
Molecular consequence: missense variant. On other transcripts: non-coding transcript variant (1).
Genome position (GRCh38, 1-based): chr13:32,354,975, T>G. VCF-style: chr13-32354975-T-G. GRCh37 (hg19) VCF-style: chr13-32929112-T-G.
Other names: c.7026T>G, p.Asn2342Lys (NM_001406719.1); c.7122T>G, p.Asn2374Lys (NM_001406720.1, NM_001432077.1); c.2190T>G, p.Asn730Lys (NM_001406721.1); c.705T>G, p.Asn235Lys (NM_001406722.1); short protein forms N2374K, N235K, N2342K, N730K.
Identifiers: ClinVar variation 3482121 (VCV003482121.1).
Genomic context (GRCh38, chr13:32,354,975, plus strand): 5'-AGAATTTCTGTCTAAATCTCATTTGTATGAACATCTGACTTTGGAAAAATCTTCAAGCAA[T>G]TTAGCAGTTTCAGGACATCCATTTTATCAAGTTTCTGCTACAAGAAATGAAAAAATGAGA-3'
Protein context (NP_000050.3, residues 2364-2384): EHLTLEKSSS[Asn2374Lys]LAVSGHPFYQ

ClinVar aggregate classification (germline): Uncertain significance (1 of 4 stars; one submission).

Conditions:
Hereditary cancer-predisposing syndrome. Also called: Tumor predisposition; Neoplastic Syndromes, Hereditary; Hereditary Cancer Syndrome; Hereditary neoplastic syndrome. Identifiers: Orphanet 140162, MedGen C0027672, MeSH D009386, MONDO:0015356.

Submission:

Ambry Genetics
Classification: Uncertain significance for Hereditary cancer-predisposing syndrome. Last evaluated: 2024-10-02. Review status: criteria provided, single submitter. Criteria: Ambry Variant Classification Scheme 2023. Collection method: clinical testing. Allele origin: germline.
Comment: The p.N2374K variant (also known as c.7122T>G), located in coding exon 13 of the BRCA2 gene, results from a T to G substitution at nucleotide position 7122. The asparagine at codon 2374 is replaced by lysine, an amino acid with similar properties. This amino acid position is conserved. In addition, this alteration is predicted to be tolerated by in silico analysis. Based on the available evidence, the clinical significance of this variant remains unclear.